The following is an entry in ClinVar:

ClinVar aggregate classification (germline): Benign (0 of 4 stars; one submission).

Conditions:
PHF21A-related disorder. Also called: PHF21A-related condition.

Submission:

PreventionGenetics, part of Exact Sciences
Classification: Benign for PHF21A-related condition. Last evaluated: 2020-01-13. Review status: no assertion criteria provided. Collection method: clinical testing. Allele origin: germline.
Comment: This variant is classified as benign based on ACMG/AMP sequence variant interpretation guidelines (Richards et al. 2015 PMID: 25741868, with internal and published modifications).

NM_001352027.3(PHF21A):c.1685-7_1685-3del

Gene: PHF21A (PHD finger protein 21A; minus strand). Cytogenetic location: 11p11.2.
Variant type: Deletion.
Coding change: c.1685-7_1685-3del on transcript NM_001352027.3 (MANE Select); 7 bases into the intron before coding-DNA position 1685 through 3 bases into the intron before coding-DNA position 1685, 5 bases deleted (TTTTT; older notation c.1685-7_1685-3delTTTTT).
Molecular consequence: intron variant.
Genome position (GRCh38, 1-based): chr11:45,935,742-45,935,746, AAAAA deleted on the plus strand (TTTTT on the coding strand, the reverse complement: PHF21A is on the minus strand); deleting any 5 consecutive bases within chr11:45,935,742-45,935,764 gives the same sequence; the c. name uses the placement nearest the transcript's 3' end. VCF-style (leftmost placement, unchanged base first): chr11-45935741-TAAAAA-T. GRCh37 (hg19) VCF-style: chr11-45957292-TAAAAA-T.
Other names: c.1541-7_1541-3del (NM_001352030.3, NM_001352031.3, NM_001352032.3); c.1682-7_1682-3del (NM_001101802.3); c.1685-7_1685-3del (NM_001352026.3, NM_001352025.3); c.1544-7_1544-3del (NM_016621.5, NM_001352028.1, NM_001352029.1).
Identifiers: ClinVar variation 3041678 (VCV003041678.2), dbSNP rs35995547, ClinGen allele CA5961029.